The following is an entry in ClinVar:

ClinVar aggregate classification (germline): Uncertain significance (1 of 4 stars; one submission).

Conditions:
Familial hypobetalipoproteinemia 1. Also called: Hypobetalipoproteinemia, normotriglyceridemic; Acanthocytosis with hypobetalipoproteinemia; APOB-Related Familial Hypobetalipoproteinemia. Identifiers: MedGen C4551990, MONDO:0014252, OMIM 615558.
Hypercholesterolemia, autosomal dominant, type B (FHCL2). Also called: Familial hypercholesterolemia 2; APOB-Related Familial Hypercholesterolemia, Autosomal Dominant; Familial Hypercholesterolemia Type B; APOLIPOPROTEIN B-100, FAMILIAL DEFECTIVE; APOLIPOPROTEIN B-100, FAMILIAL LIGAND-DEFECTIVE; HYPERCHOLESTEROLEMIA, FAMILIAL, DUE TO LIGAND-DEFECTIVE APOLIPOPROTEIN B. Identifiers: MedGen C1704417, MONDO:0007751, OMIM 144010.

Submission:

Labcorp Genetics (formerly Invitae), Labcorp
Classification: Uncertain significance for Familial hypobetalipoproteinemia 1; Hypercholesterolemia, autosomal dominant, type B. Last evaluated: 2020-08-01. Review status: criteria provided, single submitter. Criteria: Invitae Variant Classification Sherloc (09022015). Collection method: clinical testing. Allele origin: germline.
Comment: Algorithms developed to predict the effect of missense changes on protein structure and function are either unavailable or do not agree on the potential impact of this missense change (SIFT: "Deleterious"; PolyPhen-2: "Possibly Damaging"; Align-GVGD: "Class C0"). In summary, the available evidence is currently insufficient to determine the role of this variant in disease. Therefore, it has been classified as a Variant of Uncertain Significance. This variant has been observed in individual(s) with clinical features of familial hypercholesterolemia (Invitae). This variant is not present in population databases (ExAC no frequency). This sequence change replaces threonine with arginine at codon 941 of the APOB protein (p.Thr941Arg). The threonine residue is moderately conserved and there is a moderate physicochemical difference between threonine and arginine.

NM_000384.3(APOB):c.2822C>G (p.Thr941Arg)

Gene: APOB (apolipoprotein B; minus strand). Cytogenetic location: 2p24.1.
Variant type: single nucleotide variant.
Coding change: c.2822C>G on transcript NM_000384.3 (MANE Select); coding-DNA position 2822, C replaced by G.
Protein change: p.Thr941Arg; replaces threonine 941 with arginine.
Molecular consequence: missense variant.
Genome position (GRCh38, 1-based): chr2:21,019,900, G>C on the plus strand (C>G on the coding strand, the complement: APOB is on the minus strand). VCF-style: chr2-21019900-G-C. GRCh37 (hg19) VCF-style: chr2-21242772-G-C.
Other names: short protein forms T941R.
Identifiers: ClinVar variation 1053518 (VCV001053518.11), dbSNP rs2103367440, ClinGen allele CA346010444.